The following is an entry in ClinVar:

ClinVar aggregate classification (germline): Uncertain significance (1 of 4 stars; one submission).

Conditions:
Hereditary cancer-predisposing syndrome. Also called: Tumor predisposition; Hereditary Cancer Syndrome; Hereditary neoplastic syndrome; Neoplastic Syndromes, Hereditary. Identifiers: Orphanet 140162, MedGen C0027672, MeSH D009386, MONDO:0015356.

Submission:

Ambry Genetics
Classification: Uncertain significance for Hereditary cancer-predisposing syndrome. Last evaluated: 2025-11-22. Review status: criteria provided, single submitter. Criteria: Ambry Variant Classification Scheme 2023. Collection method: clinical testing. Allele origin: germline.
Comment: The p.E1573K variant (also known as c.4717G>A), located in coding exon 36 of the TSC2 gene, results from a G to A substitution at nucleotide position 4717. The glutamic acid at codon 1573 is replaced by lysine, an amino acid with similar properties. This amino acid position is conserved. In addition, this alteration is predicted to be deleterious by in silico analysis. Based on the available evidence, the clinical significance of this variant remains unclear.

NM_000548.5(TSC2):c.4717G>A (p.Glu1573Lys)

Gene: TSC2 (TSC complex subunit 2; plus strand). Cytogenetic location: 16p13.3.
Variant type: single nucleotide variant.
Coding change: c.4717G>A on transcript NM_000548.5 (MANE Select); coding-DNA position 4717, G replaced by A.
Protein change: p.Glu1573Lys; replaces glutamic acid 1573 with lysine.
Molecular consequence: missense variant. On other transcripts: non-coding transcript variant (5).
Genome position (GRCh38, 1-based): chr16:2,086,247, G>A. VCF-style: chr16-2086247-G-A. GRCh37 (hg19) VCF-style: chr16-2136248-G-A.
Other names: c.4516G>A, p.Glu1506Lys (NM_001077183.3); c.4648G>A, p.Glu1550Lys (NM_001114382.3); c.4408G>A, p.Glu1470Lys (NM_001318827.2); c.4372G>A, p.Glu1458Lys (NM_001318829.2); c.3985G>A, p.Glu1329Lys (NM_001318831.2); c.4549G>A, p.Glu1517Lys (NM_001318832.2); c.4519G>A, p.Glu1507Lys (NM_001363528.2); c.4585G>A, p.Glu1529Lys (NM_001370404.1); and 26 more; short protein forms E1306K, E1349K, E1353K, E1469K, E1506K, E1507K, E1572K, E1058K.
Identifiers: ClinVar variation 4557434 (VCV004557434.1).